The following is an entry in ClinVar:

NM_006767.4(LZTR1):c.2158T>A (p.Phe720Ile)

Gene: LZTR1 (leucine zipper like post translational regulator 1; plus strand). Cytogenetic location: 22q11.21.
Variant type: single nucleotide variant.
Coding change: c.2158T>A on transcript NM_006767.4 (MANE Select); coding-DNA position 2158, T replaced by A.
Protein change: p.Phe720Ile; replaces phenylalanine 720 with isoleucine.
Molecular consequence: missense variant.
Genome position (GRCh38, 1-based): chr22:20,996,051, T>A. VCF-style: chr22-20996051-T-A. GRCh37 (hg19) VCF-style: chr22-21350340-T-A.
Other names: short protein forms F720I.
Identifiers: ClinVar variation 3995590 (VCV003995590.1).
Genomic context (GRCh38, chr22:20,996,051, plus strand): 5'-ATGCCCGAAGATGGGCAGGTGAACATCTCCATCGGGGAGATGGTGCCCAGCAGGCAGGCC[T>A]TCGAGTCCATGCTGCGCTACATCTACTACGGCGAGGTCAACATGCCGCCCGAGGACTCGC-3'
Protein context (NP_006758.2, residues 710-730): IGEMVPSRQA[Phe720Ile]ESMLRYIYYG

ClinVar aggregate classification (germline): Uncertain significance (1 of 4 stars; one submission).

Conditions:
Cardiovascular phenotype. Identifiers: MedGen CN230736.
Hereditary cancer-predisposing syndrome. Also called: Tumor predisposition; Hereditary neoplastic syndrome; Neoplastic Syndromes, Hereditary; Hereditary Cancer Syndrome. Identifiers: Orphanet 140162, MedGen C0027672, MeSH D009386, MONDO:0015356.

Submission:

Ambry Genetics
Classification: Uncertain significance for Cardiovascular phenotype; Hereditary cancer-predisposing syndrome. Last evaluated: 2025-06-09. Review status: criteria provided, single submitter. Criteria: Ambry Variant Classification Scheme 2023. Collection method: clinical testing. Allele origin: germline.
Comment: The p.F720I variant (also known as c.2158T>A), located in coding exon 18 of the LZTR1 gene, results from a T to A substitution at nucleotide position 2158. The phenylalanine at codon 720 is replaced by isoleucine, an amino acid with highly similar properties. This amino acid position is conserved. In addition, this alteration is predicted to be deleterious by in silico analysis. Based on the available evidence, the clinical significance of this variant remains unclear.